The following is an entry in ClinVar:

NM_058004.4(PI4KA):c.4368C>T (p.Tyr1456=)

Gene: PI4KA (phosphatidylinositol 4-kinase alpha; minus strand). Cytogenetic location: 22q11.21.
Variant type: single nucleotide variant.
Coding change: c.4368C>T on transcript NM_058004.4 (MANE Select); coding-DNA position 4368, C replaced by T.
Protein change: p.Tyr1456=; no amino-acid change (tyrosine 1456 retained).
Molecular consequence: synonymous variant.
Genome position (GRCh38, 1-based): chr22:20,729,932, G>A on the plus strand (C>T on the coding strand, the complement: PI4KA is on the minus strand). VCF-style: chr22-20729932-G-A. GRCh37 (hg19) VCF-style: chr22-21084220-G-A.
Other names: c.4275C>T, p.Tyr1425= (NM_001362862.2); c.4302C>T, p.Tyr1434= (NM_001362863.2).
Identifiers: ClinVar variation 733937 (VCV000733937.6), dbSNP rs113584704, ClinGen allele CA10115095.

ClinVar aggregate classification (germline): Conflicting classifications of pathogenicity. Review status: criteria provided, conflicting classifications (1 of 4 stars). 3 submissions from 3 submitters: Uncertain significance (1); Benign (1). 1 of the submissions does not count toward it. Last evaluated 2018-12-07.

Conditions:
Polymicrogyria, perisylvian, with cerebellar hypoplasia and arthrogryposis (NEDSPLB). Identifiers: MedGen C4225295, MONDO:0014679, OMIM 616531.
PI4KA-related disorder. Also called: PI4KA-related disorders; PI4KA-related condition. Identifiers: MedGen CN378147, MONDO:1040012.

Allele frequency attached by ClinVar (database versions not stated): gnomAD exomes 0.00050; ExAC 0.00064; 1000 Genomes Project 30x 0.00156; gnomAD 0.00165 and 0.00175; 1000 Genomes Project 0.00180; TOPMed 0.00182; ESP Exome Variant Server 0.00261.
gnomAD v4.1: 538 of 1,614,212 alleles (0.033%); highest among the groups gnomAD compares: African/African-American, 0.6%; no homozygotes.

Submissions (3):

Baylor Genetics
Classification: Uncertain significance for Polymicrogyria, perisylvian, with cerebellar hypoplasia and arthrogryposis. Last evaluated: 2018-12-07. Review status: criteria provided, single submitter. Criteria: ACMG Guidelines, 2015. Collection method: clinical testing. Allele origin: unknown. Affected: yes.
Comment: This variant was determined to be of uncertain significance according to ACMG Guidelines, 2015 [PMID:25741868].

Labcorp Genetics (formerly Invitae), Labcorp
Classification: Benign. Last evaluated: 2017-12-11. Review status: criteria provided, single submitter. Criteria: Invitae Variant Classification Sherloc (09022015). Collection method: clinical testing. Allele origin: germline.

PreventionGenetics, part of Exact Sciences
Classification: Likely benign for PI4KA-related condition. Last evaluated: 2019-05-01. Review status: no assertion criteria provided. Collection method: clinical testing. Allele origin: germline. Not counted in ClinVar's aggregate classification.
Comment: This variant is classified as likely benign based on ACMG/AMP sequence variant interpretation guidelines (Richards et al. 2015 PMID: 25741868, with internal and published modifications).